The following is an entry in ClinVar:

ClinVar aggregate classification (germline): Uncertain significance (1 of 4 stars; one submission).

Conditions:
Cardiovascular phenotype. Identifiers: MedGen CN230736.

Submission:

Ambry Genetics
Classification: Uncertain significance for Cardiovascular phenotype. Last evaluated: 2025-04-03. Review status: criteria provided, single submitter. Criteria: Ambry Variant Classification Scheme 2023. Collection method: clinical testing. Allele origin: germline.
Comment: The p.R1907P variant (also known as c.5720G>C), located in coding exon 14 of the ALPK3 gene, results from a G to C substitution at nucleotide position 5720. The arginine at codon 1907 is replaced by proline, an amino acid with dissimilar properties. This amino acid position is well conserved in available vertebrate species. In addition, the in silico prediction for this alteration is inconclusive. Based on the available evidence, the clinical significance of this variant remains unclear.

NM_020778.5(ALPK3):c.5114G>C (p.Arg1705Pro)

Gene: ALPK3 (alpha kinase 3; plus strand). Cytogenetic location: 15q25.3.
Variant type: single nucleotide variant.
Coding change: c.5114G>C on transcript NM_020778.5 (MANE Select); coding-DNA position 5114, G replaced by C.
Protein change: p.Arg1705Pro; replaces arginine 1705 with proline.
Molecular consequence: missense variant.
Genome position (GRCh38, 1-based): chr15:84,868,452, G>C. VCF-style: chr15-84868452-G-C. GRCh37 (hg19) VCF-style: chr15-85411683-G-C.
Other names: short protein forms R1705P.
Identifiers: ClinVar variation 4044541 (VCV004044541.1).